The following is an entry in ClinVar:

ClinVar aggregate classification (germline): Uncertain significance (1 of 4 stars; one submission).

Conditions:
Hereditary cancer-predisposing syndrome. Also called: Neoplastic Syndromes, Hereditary; Tumor predisposition; Hereditary Cancer Syndrome; Hereditary neoplastic syndrome. Identifiers: Orphanet 140162, MedGen C0027672, MeSH D009386, MONDO:0015356.

Submission:

Ambry Genetics
Classification: Uncertain significance for Hereditary cancer-predisposing syndrome. Last evaluated: 2024-11-18. Review status: criteria provided, single submitter. Criteria: Ambry Variant Classification Scheme 2023. Collection method: clinical testing. Allele origin: germline.
Comment: The p.K297N variant (also known as c.891A>C), located in coding exon 9 of the RAD51D gene, results from an A to C substitution at nucleotide position 891. The lysine at codon 297 is replaced by asparagine, an amino acid with similar properties. This amino acid position is conserved. In addition, the in silico prediction for this alteration is inconclusive. Based on the available evidence, the clinical significance of this variant remains unclear.

NM_002878.4(RAD51D):c.891A>C (p.Lys297Asn)

Genes: RAD51L3-RFFL (RAD51L3-RFFL readthrough; minus strand), RAD51D (RAD51 paralog D; minus strand). Cytogenetic location: 17q12.
Variant type: single nucleotide variant.
Coding change: c.891A>C on transcript NM_002878.4 (MANE Select); coding-DNA position 891, A replaced by C.
Protein change: p.Lys297Asn; replaces lysine 297 with asparagine.
Molecular consequence: missense variant. On other transcripts: non-coding transcript variant (3).
Genome position (GRCh38, 1-based): chr17:35,101,213, T>G on the plus strand (A>C on the coding strand, the complement: RAD51D is on the minus strand). VCF-style: chr17-35101213-T-G. GRCh37 (hg19) VCF-style: chr17-33428232-T-G.
Other names: c.951A>C, p.Lys317Asn (NM_001142571.2); c.555A>C, p.Lys185Asn (NM_133629.3); short protein forms K185N, K317N, K297N.
Identifiers: ClinVar variation 3429753 (VCV003429753.1).